The following is an entry in ClinVar:

ClinVar aggregate classification (germline): Uncertain significance (1 of 4 stars; one submission).

Conditions:
Autosomal recessive Alport syndrome (ATS2). Also called: COL4A4 Alport Syndrome and Thin Basement Membrane Nephropathy; COL4A3-Related Nephropathy; ALPORT SYNDROME 2, AUTOSOMAL RECESSIVE; Alport syndrome type 2. Identifiers: Orphanet 63, Orphanet 88919, MedGen C4746745, MONDO:0008762, OMIM 203780.

Submission:

Precision Medicine Center, Zhengzhou University
Classification: Uncertain significance for Autosomal recessive Alport syndrome. Last evaluated: 2023-12-01. Review status: criteria provided, single submitter. Criteria: ACMG Guidelines, 2015. Collection method: clinical testing. Allele origin: paternal.
Comment: PM2_p,PM3,PP3

NM_000092.5(COL4A4):c.1724G>A (p.Gly575Glu)

Gene: COL4A4 (collagen type IV alpha 4 chain; minus strand). Cytogenetic location: 2q36.3.
Variant type: single nucleotide variant.
Coding change: c.1724G>A on transcript NM_000092.5 (MANE Select); coding-DNA position 1724, G replaced by A.
Protein change: p.Gly575Glu; replaces glycine 575 with glutamic acid.
Molecular consequence: missense variant.
Genome position (GRCh38, 1-based): chr2:227,080,522, C>T on the plus strand (G>A on the coding strand, the complement: COL4A4 is on the minus strand). VCF-style: chr2-227080522-C-T. GRCh37 (hg19) VCF-style: chr2-227945238-C-T.
Other names: short protein forms G575E.
Identifiers: ClinVar variation 2681769 (VCV002681769.2), dbSNP rs2474787749.